The following is an entry in ClinVar:

NM_014822.4(SEC24D):c.150dup (p.Thr51fs)

Gene: SEC24D (SEC24 homolog D, COPII component; minus strand). Cytogenetic location: 4q26.
Variant type: Duplication.
Coding change: c.150dup on transcript NM_014822.4 (MANE Select); coding-DNA position 150, one base duplicated (C; older notation c.150dupC).
Protein change: p.Thr51fs; shifts the reading frame from threonine 51.
Molecular consequence: frameshift variant.
Genome position (GRCh38, 1-based): chr4:118,824,718, G duplicated on the plus strand (C on the coding strand, the reverse complement: SEC24D is on the minus strand); the first of 2 consecutive G bases (chr4:118,824,718-118,824,719); duplicating either gives the same sequence. VCF-style (leftmost placement, unchanged base first): chr4-118824717-T-TG. GRCh37 (hg19) VCF-style: chr4-119745872-T-TG.
Other names: c.150dup, p.Thr51fs (NM_001318066.2); short protein forms T51fs.
Identifiers: ClinVar variation 1925313 (VCV001925313.5), dbSNP rs2530267413, ClinGen allele CA2580071421.

ClinVar aggregate classification (germline): Pathogenic (1 of 4 stars; one submission).

Submission:

Labcorp Genetics (formerly Invitae), Labcorp
Classification: Pathogenic. Last evaluated: 2022-09-12. Review status: criteria provided, single submitter. Criteria: Invitae Variant Classification Sherloc (09022015). Collection method: clinical testing. Allele origin: germline.
Comment: This variant is not present in population databases (gnomAD no frequency). This sequence change creates a premature translational stop signal (p.Thr51Hisfs*4) in the SEC24D gene. It is expected to result in an absent or disrupted protein product. Loss-of-function variants in SEC24D are known to be pathogenic (PMID: 25683121, 30462379). This variant has not been reported in the literature in individuals affected with SEC24D-related conditions. For these reasons, this variant has been classified as Pathogenic.

Literature cited by the submitters: PubMed 25683121; PubMed 30462379.